The following is an entry in ClinVar:

NM_006206.6(PDGFRA):c.2489A>G (p.Lys830Arg)

Gene: PDGFRA (platelet derived growth factor receptor alpha; plus strand). Cytogenetic location: 4q12.
Variant type: single nucleotide variant.
Coding change: c.2489A>G on transcript NM_006206.6 (MANE Select); coding-DNA position 2489, A replaced by G.
Protein change: p.Lys830Arg; replaces lysine 830 with arginine.
Molecular consequence: missense variant.
Genome position (GRCh38, 1-based): chr4:54,285,890, A>G. VCF-style: chr4-54285890-A-G. GRCh37 (hg19) VCF-style: chr4-55152057-A-G.
Other names: c.2564A>G, p.Lys855Arg (NM_001347828.2); c.2489A>G, p.Lys830Arg (NM_001347829.2); c.2528A>G, p.Lys843Arg (NM_001347830.2); short protein forms K843R, K830R, K855R.
Identifiers: ClinVar variation 642166 (VCV000642166.10), dbSNP rs1577742285, ClinGen allele CA356894950.

ClinVar aggregate classification (germline): Uncertain significance. Review status: criteria provided, multiple submitters, no conflicts (2 of 4 stars). 2 submissions from 2 submitters: Uncertain significance (2). Last evaluated 2025-03-08.

Conditions:
Hereditary cancer-predisposing syndrome. Also called: Hereditary Cancer Syndrome; Tumor predisposition; Neoplastic Syndromes, Hereditary; Hereditary neoplastic syndrome. Identifiers: Orphanet 140162, MedGen C0027672, MeSH D009386, MONDO:0015356.
Gastrointestinal stromal tumor. Also called: Gastrointestinal stromal tumor, somatic; Gastrointestinal stroma tumor. Identifiers: Orphanet 44890, MedGen C0238198, MeSH D046152, MONDO:0011719, OMIM 606764, HP:0100723.

Submissions (2):

Ambry Genetics
Classification: Uncertain significance for Hereditary cancer-predisposing syndrome. Last evaluated: 2025-03-08. Review status: criteria provided, single submitter. Criteria: Ambry Variant Classification Scheme 2023. Collection method: clinical testing. Allele origin: germline.
Comment: The p.K830R variant (also known as c.2489A>G), located in coding exon 17 of the PDGFRA gene, results from an A to G substitution at nucleotide position 2489. The lysine at codon 830 is replaced by arginine, an amino acid with highly similar properties. This amino acid position is conserved. In addition, the in silico prediction for this alteration is inconclusive. Based on the available evidence, the clinical significance of this variant remains unclear.

Labcorp Genetics (formerly Invitae), Labcorp
Classification: Uncertain significance for Gastrointestinal stromal tumor. Last evaluated: 2018-09-26. Review status: criteria provided, single submitter. Criteria: Invitae Variant Classification Sherloc (09022015). Collection method: clinical testing. Allele origin: germline.
Comment: In summary, the available evidence is currently insufficient to determine the role of this variant in disease. Therefore, it has been classified as a Variant of Uncertain Significance. Algorithms developed to predict the effect of missense changes on protein structure and function are either unavailable or do not agree on the potential impact of this missense change (SIFT: "Tolerated"; PolyPhen-2: "Probably Damaging"; Align-GVGD: "Class C0"). This variant has not been reported in the literature in individuals with PDGFRA-related disease. This variant is not present in population databases (ExAC no frequency). This sequence change replaces lysine with arginine at codon 830 of the PDGFRA protein (p.Lys830Arg). The lysine residue is highly conserved and there is a small physicochemical difference between lysine and arginine.